The following is an entry in ClinVar:

ClinVar aggregate classification (germline): Uncertain significance. Review status: criteria provided, multiple submitters, no conflicts (2 of 4 stars). 5 submissions from 5 submitters: Uncertain significance (5). Last evaluated 2025-12-27.

Conditions:
RYR1-related disorder. Also called: RYR1-related condition; RYR1-related disorders. Identifiers: MedGen CN239331.
Malignant hyperthermia, susceptibility to, 1 (MHS1). Also called: RYR1-Related Malignant Hyperthermia Susceptibility; Malignant hyperthermia suceptibility 1; Anesthesia related hyperthermia; Malignant hyperpyrexia; Fulminating hyperpyrexia; Pharmacogenic myopathy. Identifiers: Orphanet 423, MedGen C2930980, MONDO:0007783, OMIM 145600.
Inborn genetic diseases. Identifiers: MedGen C0950123, MeSH D030342.

Allele frequency attached by ClinVar (database versions not stated): ExAC 0.00001; ESP Exome Variant Server 0.00008.
gnomAD v4.1: 20 of 1,613,862 alleles (0.0012%); highest among the groups gnomAD compares: Non-Finnish European, 0.0017%; no homozygotes.

Submissions (5):

Labcorp Genetics (formerly Invitae), Labcorp
Classification: Uncertain significance for RYR1-related disorder. Last evaluated: 2025-12-27. Review status: criteria provided, single submitter. Criteria: Invitae Variant Classification Sherloc (09022015). Collection method: clinical testing. Allele origin: germline.
Comment: This sequence change replaces arginine, which is basic and polar, with leucine, which is neutral and non-polar, at codon 843 of the RYR1 protein (p.Arg843Leu). This variant is not present in population databases (gnomAD no frequency). This variant has not been reported in the literature in individuals affected with RYR1-related conditions. ClinVar contains an entry for this variant (Variation ID: 2071672). Invitae Evidence Modeling of protein sequence and biophysical properties (such as structural, functional, and spatial information, amino acid conservation, physicochemical variation, residue mobility, and thermodynamic stability) indicates that this missense variant is not expected to disrupt RYR1 protein function with a negative predictive value of 95%. In summary, the available evidence is currently insufficient to determine the role of this variant in disease. Therefore, it has been classified as a Variant of Uncertain Significance.

All of Us Research Program, National Institutes of Health
Classification: Uncertain significance for Malignant hyperthermia, susceptibility to, 1. Last evaluated: 2023-09-17. Review status: criteria provided, single submitter. Criteria: ACMG Guidelines, 2015. Collection method: clinical testing. Allele origin: germline. Inheritance: Autosomal dominant inheritance. Observed: 1 variant allele, 1 heterozygote.
Comment: This missense variant replaces arginine with leucine at codon 843 of the RYR1 protein. Computational prediction suggests that this variant may not impact protein structure and function (internally defined REVEL score threshold <= 0.5, PMID: 27666373). To our knowledge, functional studies have not been reported for this variant. This variant has not been reported in individuals affected with RYR1-related disorders in the literature. This variant has been identified in 1/250950 chromosomes in the general population by the Genome Aggregation Database (gnomAD). The available evidence is insufficient to determine the role of this variant in disease conclusively. Therefore, this variant is classified as a Variant of Uncertain Significance.

This study involves interpretation of variants in research participants for the purpose of population health screening. Participant phenotype was not available at the time of variant classification. Additional details can be found in publication PMID: 35346344, PMCID: PMC8962531

Color Diagnostics, LLC DBA Color Health
Classification: Uncertain significance for Malignant hyperthermia, susceptibility to, 1. Last evaluated: 2023-09-06. Review status: criteria provided, single submitter. Criteria: ACMG Guidelines, 2015. Collection method: clinical testing. Allele origin: germline.
Comment: This missense variant replaces arginine with leucine at codon 843 of the RYR1 protein. Computational prediction suggests that this variant may not impact protein structure and function. To our knowledge, functional studies have not been reported for this variant. This variant has not been reported in individuals affected with RYR1-related disorders in the literature. This variant has been identified in 1/250950 chromosomes in the general population by the Genome Aggregation Database (gnomAD). The available evidence is insufficient to determine the role of this variant in disease conclusively. Therefore, this variant is classified as a Variant of Uncertain Significance.

Revvity Omics, Revvity
Classification: Uncertain significance. Last evaluated: 2023-07-17. Review status: criteria provided, single submitter. Criteria: ACMG Guidelines, 2015. Collection method: clinical testing. Allele origin: germline.

Ambry Genetics
Classification: Uncertain significance for Inborn genetic diseases. Last evaluated: 2023-04-20. Review status: criteria provided, single submitter. Criteria: Ambry Variant Classification Scheme 2023. Collection method: clinical testing. Allele origin: germline.

NM_000540.3(RYR1):c.2528G>T (p.Arg843Leu)

Gene: RYR1 (ryanodine receptor 1; plus strand). Cytogenetic location: 19q13.2.
Variant type: single nucleotide variant.
Coding change: c.2528G>T on transcript NM_000540.3 (MANE Select); coding-DNA position 2528, G replaced by T.
Protein change: p.Arg843Leu; replaces arginine 843 with leucine.
Molecular consequence: missense variant.
Genome position (GRCh38, 1-based): chr19:38,460,542, G>T. VCF-style: chr19-38460542-G-T. GRCh37 (hg19) VCF-style: chr19-38951182-G-T.
Other names: c.2528G>T, p.Arg843Leu (NM_001042723.2); short protein forms R843L.
Identifiers: ClinVar variation 2071672 (VCV002071672.8), dbSNP rs144911352, ClinGen allele CA063389.